The following is an entry in ClinVar:

NM_004984.4(KIF5A):c.217+5T>C

Gene: KIF5A (kinesin family member 5A; plus strand). Cytogenetic location: 12q13.3.
Variant type: single nucleotide variant.
Coding change: c.217+5T>C on transcript NM_004984.4 (MANE Select); 5 bases into the intron after coding-DNA position 217, T replaced by C.
Molecular consequence: intron variant.
Genome position (GRCh38, 1-based): chr12:57,563,531, T>C. VCF-style: chr12-57563531-T-C. GRCh37 (hg19) VCF-style: chr12-57957314-T-C.
Other names: c.130-929T>C (NM_001354705.2).
Identifiers: ClinVar variation 1427444 (VCV001427444.7), dbSNP rs1321172885, ClinGen allele CA605705719.

ClinVar aggregate classification (germline): Uncertain significance. Review status: criteria provided, multiple submitters, no conflicts (2 of 4 stars). 2 submissions from 2 submitters: Uncertain significance (2). Last evaluated 2025-07-16.

Conditions:
Spastic paraplegia. Identifiers: MedGen C0037772, HP:0001258.

Allele frequency attached by ClinVar (database versions not stated): TOPMed below 0.00001; gnomAD exomes 0.00001 and 0.00002.
gnomAD v4.1: 12 of 1,612,648 alleles (0.00074%); highest among the groups gnomAD compares: Non-Finnish European, 0.00059%; no homozygotes.

Submissions (2):

Labcorp Genetics (formerly Invitae), Labcorp
Classification: Uncertain significance for Spastic paraplegia. Last evaluated: 2025-07-16. Review status: criteria provided, single submitter. Criteria: Invitae Variant Classification Sherloc (09022015). Collection method: clinical testing. Allele origin: germline.
Comment: This sequence change falls in intron 2 of the KIF5A gene. It does not directly change the encoded amino acid sequence of the KIF5A protein. It affects a nucleotide within the consensus splice site. This variant is present in population databases (no rsID available, gnomAD 0.004%). This variant has not been reported in the literature in individuals affected with KIF5A-related conditions. ClinVar contains an entry for this variant (Variation ID: 1427444). Variants that disrupt the consensus splice site are a relatively common cause of aberrant splicing (PMID: 17576681, 9536098). Algorithms developed to predict the effect of sequence changes on RNA splicing suggest that this variant is not likely to affect RNA splicing. In summary, the available evidence is currently insufficient to determine the role of this variant in disease. Therefore, it has been classified as a Variant of Uncertain Significance.

Athena Diagnostics
Classification: Uncertain significance. Last evaluated: 2021-11-24. Review status: criteria provided, single submitter. Criteria: Athena Diagnostics Criteria. Collection method: clinical testing. Allele origin: unknown.

Literature cited by the submitters: PubMed 17576681 (cited by Labcorp Genetics (formerly Invitae), Labcorp); PubMed 9536098 (cited by Labcorp Genetics (formerly Invitae), Labcorp).